The following is an entry in ClinVar:

ClinVar aggregate classification (germline): Pathogenic (1 of 4 stars; one submission).

Conditions:
Nemaline myopathy 2 (NEM2). Also called: Nemaline myopathy 2, autosomal recessive. Identifiers: MedGen C1850569, MONDO:0009725, OMIM 256030.

Submission:

Myriad Genetics, Inc.
Classification: Pathogenic for Nemaline myopathy 2. Last evaluated: 2023-09-27. Review status: criteria provided, single submitter. Criteria: Myriad Autosomal Dominant, Autosomal Recessive and X-Linked Classification Criteria (2023). Collection method: clinical testing. Allele origin: unknown.
Comment: NM_001271208.1(NEB):c.2884dupG(V962Gfs*20) is expected to be pathogenic in the context of NEB-related nemaline myopathy. This variant is predicted to lead to an abnormal or absent protein product due to the creation of a premature termination codon in NEB, a gene where loss-of-function variants are known to be pathogenic. Please note: this variant was assessed in the context of healthy population screening.

NM_001164508.2(NEB):c.2884dup (p.Val962fs)

Gene: NEB (nebulin; minus strand). Cytogenetic location: 2q23.3.
Variant type: Duplication.
Coding change: c.2884dup on transcript NM_001164508.2 (MANE Select); coding-DNA position 2884, one base duplicated (G; older notation c.2884dupG).
Protein change: p.Val962fs; shifts the reading frame from valine 962.
Molecular consequence: frameshift variant.
Genome position (GRCh38, 1-based): chr2:151,682,721, C duplicated on the plus strand (G on the coding strand, the reverse complement: NEB is on the minus strand); the first of 3 consecutive C bases (chr2:151,682,721-151,682,723); duplicating any one gives the same sequence. VCF-style (leftmost placement, unchanged base first): chr2-151682720-A-AC. GRCh37 (hg19) VCF-style: chr2-152539234-A-AC.
Other names: c.2884dup, p.Val962fs (NM_001164507.2, NM_001271208.2, NM_004543.5); short protein forms V962fs.
Identifiers: ClinVar variation 5011795 (VCV005011795.1).